The following is an entry in ClinVar:

NM_003597.5(KLF11):c.523G>A (p.Val175Met)

Gene: KLF11 (KLF transcription factor 11; plus strand). Cytogenetic location: 2p25.1.
Variant type: single nucleotide variant.
Coding change: c.523G>A on transcript NM_003597.5 (MANE Select); coding-DNA position 523, G replaced by A.
Protein change: p.Val175Met; replaces valine 175 with methionine.
Molecular consequence: missense variant.
Genome position (GRCh38, 1-based): chr2:10,047,860, G>A. VCF-style: chr2-10047860-G-A. GRCh37 (hg19) VCF-style: chr2-10187987-G-A.
Other names: c.472G>A, p.Val158Met (NM_001177716.2, NM_001177718.2); short protein forms V175M, V158M.
Identifiers: ClinVar variation 1930375 (VCV001930375.6), dbSNP rs750458755, ClinGen allele CA1525533.

ClinVar aggregate classification (germline): Uncertain significance. Review status: criteria provided, multiple submitters, no conflicts (2 of 4 stars). 2 submissions from 2 submitters: Uncertain significance (2). Last evaluated 2023-10-09.

Allele frequency attached by ClinVar (database versions not stated): TOPMed below 0.00001; ExAC 0.00001; gnomAD exomes 0.00001.

Submissions (2):

Labcorp Genetics (formerly Invitae), Labcorp
Classification: Uncertain significance. Last evaluated: 2023-10-09. Review status: criteria provided, single submitter. Criteria: Invitae Variant Classification Sherloc (09022015). Collection method: clinical testing. Allele origin: germline.
Comment: This sequence change replaces valine, which is neutral and non-polar, with methionine, which is neutral and non-polar, at codon 175 of the KLF11 protein (p.Val175Met). This variant is present in population databases (rs750458755, gnomAD 0.006%). This variant has not been reported in the literature in individuals affected with KLF11-related conditions. ClinVar contains an entry for this variant (Variation ID: 1930375). An algorithm developed to predict the effect of missense changes on protein structure and function (PolyPhen-2) suggests that this variant is likely to be disruptive. In summary, the available evidence is currently insufficient to determine the role of this variant in disease. Therefore, it has been classified as a Variant of Uncertain Significance.

Ambry Genetics
Classification: Uncertain significance. Last evaluated: 2021-11-15. Review status: criteria provided, single submitter. Criteria: Ambry Variant Classification Scheme 2023. Collection method: clinical testing. Allele origin: germline.